The following is an entry in ClinVar:

ClinVar aggregate classification (germline): Uncertain significance (1 of 4 stars; one submission).

gnomAD v4.1: 2 of 1,613,642 alleles (0.00012%); highest among the groups gnomAD compares: Non-Finnish European, 0.00017%; no homozygotes.

Submission:

GeneDx
Classification: Uncertain significance. Last evaluated: 2026-03-16. Review status: criteria provided, single submitter. Criteria: GeneDx Variant Classification Process June 2021. Collection method: clinical testing. Allele origin: germline.
Comment: Not observed at significant frequency in large population cohorts (gnomAD); In silico analysis supports a deleterious effect on splicing; In silico analysis supports that this missense variant has a deleterious effect on protein structure/function; Has not been previously published as pathogenic or benign to our knowledge

NM_007255.3(B4GALT7):c.412A>G (p.Arg138Gly)

Gene: B4GALT7 (beta-1,4-galactosyltransferase 7; plus strand). Cytogenetic location: 5q35.3.
Variant type: single nucleotide variant.
Coding change: c.412A>G on transcript NM_007255.3 (MANE Select); coding-DNA position 412, A replaced by G.
Protein change: p.Arg138Gly; replaces arginine 138 with glycine.
Molecular consequence: missense variant.
Genome position (GRCh38, 1-based): chr5:177,604,540, A>G. VCF-style: chr5-177604540-A-G. GRCh37 (hg19) VCF-style: chr5-177031541-A-G.
Other names: short protein forms R138G.
Identifiers: ClinVar variation 5009219 (VCV005009219.1).